The following is an entry in ClinVar:

ClinVar aggregate classification (germline): Uncertain significance (1 of 4 stars; one submission).

Conditions:
Autosomal recessive limb-girdle muscular dystrophy type R18 (LGMDR18). Also called: Autosomal recessive limb-girdle muscular dystrophy type 2S; Limb-girdle muscular dystrophy, type 2S; MUSCULAR DYSTROPHY, LIMB-GIRDLE, AUTOSOMAL RECESSIVE 18. Identifiers: Orphanet 369840, MedGen C4517996, MONDO:0014144, OMIM 615356.

Allele frequency attached by ClinVar (database versions not stated): gnomAD exomes below 0.00001 and 0.00003; TOPMed 0.00002.
gnomAD v4.1: 41 of 1,613,418 alleles (0.0025%); highest among the groups gnomAD compares: Non-Finnish European, 0.0033%; no homozygotes.

Submission:

Labcorp Genetics (formerly Invitae), Labcorp
Classification: Uncertain significance for Autosomal recessive limb-girdle muscular dystrophy type R18. Last evaluated: 2022-09-07. Review status: criteria provided, single submitter. Criteria: Invitae Variant Classification Sherloc (09022015). Collection method: clinical testing. Allele origin: germline.
Comment: This sequence change replaces phenylalanine, which is neutral and non-polar, with serine, which is neutral and polar, at codon 330 of the TRAPPC11 protein (p.Phe330Ser). This variant is present in population databases (no rsID available, gnomAD 0.0009%). This variant has not been reported in the literature in individuals affected with TRAPPC11-related conditions. ClinVar contains an entry for this variant (Variation ID: 940021). Algorithms developed to predict the effect of missense changes on protein structure and function (SIFT, PolyPhen-2, Align-GVGD) all suggest that this variant is likely to be disruptive. In summary, the available evidence is currently insufficient to determine the role of this variant in disease. Therefore, it has been classified as a Variant of Uncertain Significance.

NM_021942.6(TRAPPC11):c.989T>C (p.Phe330Ser)

Gene: TRAPPC11 (trafficking protein particle complex subunit 11; plus strand). Cytogenetic location: 4q35.1.
Variant type: single nucleotide variant.
Coding change: c.989T>C on transcript NM_021942.6 (MANE Select); coding-DNA position 989, T replaced by C.
Protein change: p.Phe330Ser; replaces phenylalanine 330 with serine.
Molecular consequence: missense variant.
Genome position (GRCh38, 1-based): chr4:183,680,143, T>C. VCF-style: chr4-183680143-T-C. GRCh37 (hg19) VCF-style: chr4-184601296-T-C.
Other names: c.989T>C, p.Phe330Ser (NM_199053.3); short protein forms F330S.
Identifiers: ClinVar variation 940021 (VCV000940021.7), dbSNP rs1424040999, ClinGen allele CA358863132.
Genomic context (GRCh38, chr4:183,680,143, plus strand): 5'-TCATTCCTCTTTATTTCTTGATTTTCTTTTCTTTAAGATTCCAGGCCTTTGGAGATTTAT[T>C]TGATGAAGCTATTAAGTTAGGGTTAACAGCTATTCAAACTCAGAATCCTGGTTTCTATTA-3'
Protein context (NP_068761.4, residues 320-340): SKQFQAFGDL[Phe330Ser]DEAIKLGLTA